The following is an entry in ClinVar:

ClinVar aggregate classification (germline): Pathogenic (1 of 4 stars; one submission).

Conditions:
Cystic fibrosis (CF). Also called: MUCOVISCIDOSIS. Identifiers: Orphanet 586, MedGen C0010674, MONDO:0009061, OMIM 219700. Disease mechanism: loss of function.

Submission:

Labcorp Genetics (formerly Invitae), Labcorp
Classification: Pathogenic for Cystic fibrosis. Last evaluated: 2022-08-20. Review status: criteria provided, single submitter. Criteria: Invitae Variant Classification Sherloc (09022015). Collection method: clinical testing. Allele origin: germline.
Comment: This variant has not been reported in the literature in individuals affected with CFTR-related conditions. For these reasons, this variant has been classified as Pathogenic. This variant is not present in population databases (gnomAD no frequency). This sequence change creates a premature translational stop signal (p.Leu738*) in the CFTR gene. It is expected to result in an absent or disrupted protein product. Loss-of-function variants in CFTR are known to be pathogenic (PMID: 1695717, 7691345, 9725922).

Literature cited by the submitters: PubMed 1695717; PubMed 7691345; PubMed 9725922.

NM_000492.4(CFTR):c.2213T>G (p.Leu738Ter)

Gene: CFTR (CF transmembrane conductance regulator; plus strand). Cytogenetic location: 7q31.2.
Variant type: single nucleotide variant.
Coding change: c.2213T>G on transcript NM_000492.4 (MANE Select); coding-DNA position 2213, T replaced by G.
Protein change: p.Leu738Ter; replaces leucine 738 with a stop codon.
Molecular consequence: nonsense.
Genome position (GRCh38, 1-based): chr7:117,592,380, T>G. VCF-style: chr7-117592380-T-G. GRCh37 (hg19) VCF-style: chr7-117232434-T-G.
Other names: short protein forms L738*.
Identifiers: ClinVar variation 1996220 (VCV001996220.4), dbSNP rs2485110261, ClinGen allele CA368980429.